The following is an entry in ClinVar:

ClinVar aggregate classification (germline): Uncertain significance (1 of 4 stars; one submission).

Conditions:
Neuropathy, hereditary sensory and autonomic, type 2A (HSAN2A). Also called: HSAN IIA; ACROOSTEOLYSIS, GIACCAI TYPE; ACROOSTEOLYSIS, NEUROGENIC; MORVAN DISEASE; NEUROPATHY, CONGENITAL SENSORY; NEUROPATHY, HEREDITARY SENSORY RADICULAR, AUTOSOMAL RECESSIVE. Identifiers: Orphanet 970, MedGen C2752089, MONDO:0024309, OMIM 201300.
Generalized epilepsy with febrile seizures plus, type 7 (GEFSP7). Also called: GEFS+, TYPE 7. Identifiers: Orphanet 36387, MedGen C2751778, MONDO:0013470, OMIM 613863.

gnomAD v4.1: 1 of 1,614,080 alleles (0.000062%); highest among the groups gnomAD compares: Non-Finnish European, 0.000085%; no homozygotes.

Submission:

Labcorp Genetics (formerly Invitae), Labcorp
Classification: Uncertain significance for Neuropathy, hereditary sensory and autonomic, type 2A; Generalized epilepsy with febrile seizures plus, type 7. Last evaluated: 2024-07-27. Review status: criteria provided, single submitter. Criteria: Invitae Variant Classification Sherloc (09022015). Collection method: clinical testing. Allele origin: germline.
Comment: This sequence change replaces alanine, which is neutral and non-polar, with proline, which is neutral and non-polar, at codon 1656 of the SCN9A protein (p.Ala1656Pro). This variant is not present in population databases (gnomAD no frequency). This variant has not been reported in the literature in individuals affected with SCN9A-related conditions. Advanced modeling of protein sequence and biophysical properties (such as structural, functional, and spatial information, amino acid conservation, physicochemical variation, residue mobility, and thermodynamic stability) performed at Invitae indicates that this missense variant is not expected to disrupt SCN9A protein function with a negative predictive value of 80%. In summary, the available evidence is currently insufficient to determine the role of this variant in disease. Therefore, it has been classified as a Variant of Uncertain Significance.

NM_001365536.1(SCN9A):c.4999G>C (p.Ala1667Pro)

Genes: SCN9A (sodium voltage-gated channel alpha subunit 9; minus strand), SCN1A-AS1 (SCN1A and SCN9A antisense RNA 1; plus strand). Cytogenetic location: 2q24.3.
Variant type: single nucleotide variant.
Coding change: c.4999G>C on transcript NM_001365536.1 (MANE Select); coding-DNA position 4999, G replaced by C.
Protein change: p.Ala1667Pro; replaces alanine 1667 with proline.
Molecular consequence: missense variant. On other transcripts: non-coding transcript variant (1).
Genome position (GRCh38, 1-based): chr2:166,199,640, C>G on the plus strand (G>C on the coding strand, the complement: SCN9A is on the minus strand). VCF-style: chr2-166199640-C-G. GRCh37 (hg19) VCF-style: chr2-167056150-C-G.
Other names: c.4966G>C, p.Ala1656Pro (NM_002977.4); short protein forms A1656P, A1667P.
Identifiers: ClinVar variation 3762387 (VCV003762387.2).
Genomic context (GRCh38, chr2:166,199,640, plus strand): 5'-TGTTGCCAAAGGTCTCAAAATTGAACATGTCATTAATTCCATCTTCCTTTTTAACATAGG[C>G]AAAGTTGGACATTCCAAAGATGGCGTAGATGAACATGACCAGGAAGAGCAGGAGGCCGAT-3'
Protein context (NP_001352465.1, residues 1657-1677): IYAIFGMSNF[Ala1667Pro]YVKKEDGIND